The following is an entry in ClinVar:

ClinVar aggregate classification (germline): Uncertain significance (1 of 4 stars; one submission).

Conditions:
Charcot-Marie-Tooth disease axonal type 2Z. Also called: CHARCOT-MARIE-TOOTH DISEASE, AXONAL, AUTOSOMAL DOMINANT, TYPE 2Z; CHARCOT-MARIE-TOOTH NEUROPATHY, TYPE 2Z. Identifiers: Orphanet 466768, MedGen C5569025, MONDO:0014736, OMIM 616688.

Allele frequency attached by ClinVar (database versions not stated): TOPMed 0.00002.
gnomAD v4.1: 22 of 1,613,272 alleles (0.0014%); highest among the groups gnomAD compares: South Asian, 0.012%; no homozygotes.

Submission:

Labcorp Genetics (formerly Invitae), Labcorp
Classification: Uncertain significance for Charcot-Marie-Tooth disease axonal type 2Z. Last evaluated: 2025-02-24. Review status: criteria provided, single submitter. Criteria: Invitae Variant Classification Sherloc (09022015). Collection method: clinical testing. Allele origin: germline.
Comment: This sequence change replaces arginine, which is basic and polar, with histidine, which is basic and polar, at codon 238 of the MORC2 protein (p.Arg238His). This variant is present in population databases (rs367766290, gnomAD 0.02%). This variant has not been reported in the literature in individuals affected with MORC2-related conditions. ClinVar contains an entry for this variant (Variation ID: 542277). Invitae Evidence Modeling of protein sequence and biophysical properties (such as structural, functional, and spatial information, amino acid conservation, physicochemical variation, residue mobility, and thermodynamic stability) has been performed for this missense variant. However, the output from this modeling did not meet the statistical confidence thresholds required to predict the impact of this variant on MORC2 protein function. In summary, the available evidence is currently insufficient to determine the role of this variant in disease. Therefore, it has been classified as a Variant of Uncertain Significance.

NM_001303256.3(MORC2):c.713G>A (p.Arg238His)

Gene: MORC2 (MORC family CW-type zinc finger 2; minus strand). Cytogenetic location: 22q12.2.
Variant type: single nucleotide variant.
Coding change: c.713G>A on transcript NM_001303256.3 (MANE Select); coding-DNA position 713, G replaced by A.
Protein change: p.Arg238His; replaces arginine 238 with histidine.
Molecular consequence: missense variant.
Genome position (GRCh38, 1-based): chr22:30,941,544, C>T on the plus strand (G>A on the coding strand, the complement: MORC2 is on the minus strand). VCF-style: chr22-30941544-C-T. GRCh37 (hg19) VCF-style: chr22-31337531-C-T.
Other names: c.713G>A, p.Arg238His (NM_001303257.2); c.527G>A, p.Arg176His (NM_014941.3); short protein forms R238H, R176H.
Identifiers: ClinVar variation 542277 (VCV000542277.7), dbSNP rs367766290, ClinGen allele CA10187179.